The following is an entry in ClinVar:

ClinVar aggregate classification (germline): Uncertain significance. Review status: criteria provided, multiple submitters, no conflicts (2 of 4 stars). 2 submissions from 2 submitters: Uncertain significance (2). Last evaluated 2026-01-06.

Conditions:
LAMA2-related muscular dystrophy (LAMA2-RD). Also called: Laminin alpha 2-related dystrophy. Identifiers: MedGen C5679788, MONDO:0100228.
Inborn genetic diseases. Identifiers: MedGen C0950123, MeSH D030342.

Allele frequency attached by ClinVar (database versions not stated): gnomAD exomes below 0.00001; ExAC 0.00001.
gnomAD v4.1: 2 of 1,614,124 alleles (0.00012%); highest among the groups gnomAD compares: Non-Finnish European, 0.00017%; no homozygotes.

Submissions (2):

Labcorp Genetics (formerly Invitae), Labcorp
Classification: Uncertain significance for LAMA2-related muscular dystrophy. Last evaluated: 2026-01-06. Review status: criteria provided, single submitter. Criteria: Invitae Variant Classification Sherloc (09022015). Collection method: clinical testing. Allele origin: germline.
Comment: This sequence change replaces glutamic acid, which is acidic and polar, with lysine, which is basic and polar, at codon 1630 of the LAMA2 protein (p.Glu1630Lys). This variant is present in population databases (rs774435152, gnomAD 0.0009%). This variant has not been reported in the literature in individuals affected with LAMA2-related conditions. ClinVar contains an entry for this variant (Variation ID: 1923945). Invitae Evidence Modeling of protein sequence and biophysical properties (such as structural, functional, and spatial information, amino acid conservation, physicochemical variation, residue mobility, and thermodynamic stability) indicates that this missense variant is not expected to disrupt LAMA2 protein function with a negative predictive value of 95%. In summary, the available evidence is currently insufficient to determine the role of this variant in disease. Therefore, it has been classified as a Variant of Uncertain Significance.

Ambry Genetics
Classification: Uncertain significance for Inborn genetic diseases. Last evaluated: 2024-12-17. Review status: criteria provided, single submitter. Criteria: Ambry Variant Classification Scheme 2023. Collection method: clinical testing. Allele origin: germline.

NM_000426.4(LAMA2):c.4888G>A (p.Glu1630Lys)

Gene: LAMA2 (laminin subunit alpha 2; plus strand). Cytogenetic location: 6q22.33.
Variant type: single nucleotide variant.
Coding change: c.4888G>A on transcript NM_000426.4 (MANE Select); coding-DNA position 4888, G replaced by A.
Protein change: p.Glu1630Lys; replaces glutamic acid 1630 with lysine.
Molecular consequence: missense variant.
Genome position (GRCh38, 1-based): chr6:129,369,919, G>A. VCF-style: chr6-129369919-G-A. GRCh37 (hg19) VCF-style: chr6-129691064-G-A.
Other names: c.4888G>A, p.Glu1630Lys (NM_001079823.2); short protein forms E1630K.
Identifiers: ClinVar variation 1923945 (VCV001923945.6), dbSNP rs774435152, ClinGen allele CA3993711.